The following is an entry in ClinVar:

ClinVar aggregate classification (germline): Likely benign. Review status: criteria provided, single submitter (1 of 4 stars). 2 submissions from 2 submitters: Likely benign (1). 1 of the submissions does not count toward it. Last evaluated 2025-12-16.

Conditions:
IMPDH1-related disorder. Also called: IMPDH1-related condition; IMPDH1-related disorders.

Allele frequency attached by ClinVar (database versions not stated): gnomAD 0.00001 and 0.00002; TOPMed 0.00002.
gnomAD v4.1: 117 of 1,613,762 alleles (0.0073%); highest among the groups gnomAD compares: Non-Finnish European, 0.0096%; no homozygotes.

Submissions (2):

Labcorp Genetics (formerly Invitae), Labcorp
Classification: Likely benign. Last evaluated: 2025-12-16. Review status: criteria provided, single submitter. Criteria: Invitae Variant Classification Sherloc (09022015). Collection method: clinical testing. Allele origin: germline.

PreventionGenetics, part of Exact Sciences
Classification: Likely benign for IMPDH1-related condition. Last evaluated: 2019-08-28. Review status: no assertion criteria provided. Collection method: clinical testing. Allele origin: germline. Not counted in ClinVar's aggregate classification.
Comment: This variant is classified as likely benign based on ACMG/AMP sequence variant interpretation guidelines (Richards et al. 2015 PMID: 25741868, with internal and published modifications).

NM_000883.4(IMPDH1):c.1095G>A (p.Ser365=)

Gene: IMPDH1 (inosine monophosphate dehydrogenase 1; minus strand). Cytogenetic location: 7q32.1.
Variant type: single nucleotide variant.
Coding change: c.1095G>A on transcript NM_000883.4 (MANE Select); coding-DNA position 1095, G replaced by A.
Protein change: p.Ser365=; no amino-acid change (serine 365 retained).
Molecular consequence: synonymous variant.
Genome position (GRCh38, 1-based): chr7:128,397,002, C>T on the plus strand (G>A on the coding strand, the complement: IMPDH1 is on the minus strand). VCF-style: chr7-128397002-C-T. GRCh37 (hg19) VCF-style: chr7-128037056-C-T.
Other names: c.1065G>A, p.Ser355= (NM_001102605.2); c.840G>A, p.Ser280= (NM_001142573.2); c.825G>A, p.Ser275= (NM_001142574.2); c.765G>A, p.Ser255= (NM_001142575.2); c.996G>A, p.Ser332= (NM_001142576.2); c.888G>A, p.Ser296= (NM_001304521.2); c.987G>A, p.Ser329= (NM_183243.3); c.1095G>A (NM_000883.3).
Identifiers: ClinVar variation 1101027 (VCV001101027.11), dbSNP rs371337802, ClinGen allele CA4470942.